The following is an entry in ClinVar:

ClinVar aggregate classification (germline): Uncertain significance (1 of 4 stars; one submission).

Submission:

GeneDx
Classification: Uncertain significance. Last evaluated: 2025-02-03. Review status: criteria provided, single submitter. Criteria: GeneDx Variant Classification Process June 2021. Collection method: clinical testing. Allele origin: germline. Affected: yes.
Comment: Not observed at significant frequency in large population cohorts (gnomAD); In silico analysis supports that this missense variant has a deleterious effect on protein structure/function; Has not been previously published as pathogenic or benign to our knowledge

NM_005676.5(RBM10):c.1117G>A (p.Asp373Asn)

Gene: RBM10 (RNA binding motif protein 10; plus strand). Cytogenetic location: Xp11.3.
Variant type: single nucleotide variant.
Coding change: c.1117G>A on transcript NM_005676.5 (MANE Select); coding-DNA position 1117, G replaced by A.
Protein change: p.Asp373Asn; replaces aspartic acid 373 with asparagine.
Molecular consequence: missense variant.
Genome position (GRCh38, 1-based): chrX:47,180,266, G>A. VCF-style: chrX-47180266-G-A. GRCh37 (hg19) VCF-style: chrX-47039665-G-A.
Other names: c.886G>A, p.Asp296Asn (NM_001204466.2); c.1114G>A, p.Asp372Asn (NM_001204467.2); c.1312G>A, p.Asp438Asn (NM_001204468.2); c.1309G>A, p.Asp437Asn (NM_001440861.1); c.1081G>A, p.Asp361Asn (NM_001440862.1); c.1078G>A, p.Asp360Asn (NM_001440863.1); c.883G>A, p.Asp295Asn (NM_152856.3); short protein forms D295N, D296N, D360N, D361N, D372N, D373N, D437N, D438N.
Identifiers: ClinVar variation 4074429 (VCV004074429.1).